The following is an entry in ClinVar:

NM_001136157.2(OTUD5):c.332_343dup (p.Gly114_Asp115insGlyGlyProGly)

Genes: OTUD5 (OTU deubiquitinase 5; minus strand), LOC130068266 (ATAC-STARR-seq lymphoblastoid silent region 20828; plus strand). Cytogenetic location: Xp11.23.
Variant type: Duplication.
Coding change: c.332_343dup on transcript NM_001136157.2 (MANE Select); coding-DNA positions 332 to 343, 12 bases duplicated (GCGGTCCCGGCG).
Protein change: p.Gly114_Asp115insGlyGlyProGly.
Molecular consequence: inframe insertion. On other transcripts: intron variant (1).
Genome position (GRCh38, 1-based): chrX:48,957,228-48,957,239, CGCCGGGACCGC duplicated on the plus strand (GCGGTCCCGGCG on the coding strand, the reverse complement: OTUD5 is on the minus strand); duplicating any 12 consecutive bases within chrX:48,957,228-48,957,249 gives the same sequence; the c. name uses the placement nearest the transcript's 3' end. VCF-style (leftmost placement, unchanged base first): chrX-48957227-T-TCGCCGGGACCGC. GRCh37 (hg19) VCF-style: chrX-48814489-T-TCGCCGGGACCGC.
Other names: c.332_343dup, p.Gly114_Asp115insGlyGlyProGly (NM_001136158.2, NM_017602.4); c.-58+993_-58+1004dup (NM_001136159.2).
Identifiers: ClinVar variation 4534341 (VCV004534341.6).

ClinVar aggregate classification (germline): Likely benign (1 of 4 stars; one submission).

Submission:

CeGaT Center for Human Genetics Tuebingen
Classification: Likely benign. Last evaluated: 2025-10-01. Review status: criteria provided, single submitter. Criteria: CeGaT Center For Human Genetics Tuebingen Variant Classification Criteria Version 2. Collection method: clinical testing. Allele origin: germline. Affected: yes. Observed: 1 variant allele.
Comment: OTUD5: PM4, BS2